The following is an entry in ClinVar:

ClinVar aggregate classification (germline): Uncertain significance. Review status: criteria provided, multiple submitters, no conflicts (2 of 4 stars). 2 submissions from 2 submitters: Uncertain significance (2). Last evaluated 2025-02-06.

Conditions:
Nephronophthisis. Also called: Juvenile Nephronophthisis. Identifiers: Orphanet 655, MedGen C0687120, MONDO:0019005, HP:0000090.
Meckel-Gruber syndrome. Also called: GRUBER SYNDROME; DYSENCEPHALIA SPLANCHNOCYSTICA; Dysencephalia splachnocystica. Identifiers: Orphanet 564, MedGen C0265215, MONDO:0018921.
Joubert syndrome. Also called: Familial aplasia of the vermis; JOUBERT-BOLTSHAUSER SYNDROME. Identifiers: Orphanet 475, MedGen C5979921, MONDO:0018772.
CEP290-related disorder. Also called: CEP290-related condition; CEP290-related disorders. Identifiers: MedGen CN239314.

Allele frequency attached by ClinVar (database versions not stated): gnomAD exomes below 0.00001.
gnomAD v4.1: 4 of 1,539,694 alleles (0.00026%); highest among the groups gnomAD compares: South Asian, 0.0027%; no homozygotes.

Submissions (2):

PreventionGenetics, part of Exact Sciences
Classification: Uncertain significance for CEP290-related condition. Last evaluated: 2025-02-06. Review status: criteria provided, single submitter. Criteria: ACMG Guidelines, 2015. Collection method: clinical testing. Allele origin: germline.
Comment: The CEP290 c.894A>T variant is predicted to result in the amino acid substitution p.Glu298Asp. To our knowledge, this variant has not been reported in the literature or in a large population database (gnomAD), indicating this variant is rare. At this time, the clinical significance of this variant is uncertain due to the absence of conclusive functional and genetic evidence.

Labcorp Genetics (formerly Invitae), Labcorp
Classification: Uncertain significance for Joubert syndrome; Meckel-Gruber syndrome; Nephronophthisis. Last evaluated: 2021-08-28. Review status: criteria provided, single submitter. Criteria: Invitae Variant Classification Sherloc (09022015). Collection method: clinical testing. Allele origin: germline.
Comment: This sequence change replaces glutamic acid with aspartic acid at codon 298 of the CEP290 protein (p.Glu298Asp). The glutamic acid residue is moderately conserved and there is a small physicochemical difference between glutamic acid and aspartic acid. This variant is not present in population databases (ExAC no frequency). This variant has not been reported in the literature in individuals affected with CEP290-related conditions. Algorithms developed to predict the effect of missense changes on protein structure and function are either unavailable or do not agree on the potential impact of this missense change (SIFT: "Deleterious"; PolyPhen-2: "Benign"; Align-GVGD: "Class C0"). In summary, the available evidence is currently insufficient to determine the role of this variant in disease. Therefore, it has been classified as a Variant of Uncertain Significance.

NM_025114.4(CEP290):c.894A>T (p.Glu298Asp)

Gene: CEP290 (centrosomal protein 290; minus strand). Cytogenetic location: 12q21.32.
Variant type: single nucleotide variant.
Coding change: c.894A>T on transcript NM_025114.4 (MANE Select); coding-DNA position 894, A replaced by T.
Protein change: p.Glu298Asp; replaces glutamic acid 298 with aspartic acid.
Molecular consequence: missense variant.
Genome position (GRCh38, 1-based): chr12:88,128,994, T>A on the plus strand (A>T on the coding strand, the complement: CEP290 is on the minus strand). VCF-style: chr12-88128994-T-A. GRCh37 (hg19) VCF-style: chr12-88522771-T-A.
Other names: short protein forms E298D.
Identifiers: ClinVar variation 841068 (VCV000841068.8), dbSNP rs2039900054, ClinGen allele CA385983862.
Genomic context (GRCh38, chr12:88,128,994, plus strand): 5'-GAAAAAAAATACCTTCCATTCTTCTACTTTTGCATTGACAGCTACCATAATTGGATCATC[T>A]TCTTCATTTTTTGATTTCAGAAGATCTGTAAGCTCCTGCACCTAAAAGACAAAGTTATTT-3'
Protein context (NP_079390.3, residues 288-308): LTDLLKSKNE[Glu298Asp]DDPIMVAVNA